The following is an entry in ClinVar:

NM_004974.4(KCNA2):c.432G>A (p.Glu144=)

Gene: KCNA2 (potassium voltage-gated channel subfamily A member 2; minus strand). Cytogenetic location: 1p13.3.
Variant type: single nucleotide variant.
Coding change: c.432G>A on transcript NM_004974.4 (MANE Select); coding-DNA position 432, G replaced by A.
Protein change: p.Glu144=; no amino-acid change (glutamic acid 144 retained).
Molecular consequence: synonymous variant.
Genome position (GRCh38, 1-based): chr1:110,604,351, C>T on the plus strand (G>A on the coding strand, the complement: KCNA2 is on the minus strand). VCF-style: chr1-110604351-C-T. GRCh37 (hg19) VCF-style: chr1-111146973-C-T.
Other names: c.432G>A, p.Glu144= (NM_001204269.2).
Identifiers: ClinVar variation 3054528 (VCV003054528.2), dbSNP rs2524621472, ClinGen allele CA419691805.

ClinVar aggregate classification (germline): Likely benign (0 of 4 stars; one submission).

Conditions:
KCNA2-related disorder. Also called: KCNA2-related condition.

Allele frequency attached by ClinVar (database versions not stated): gnomAD exomes below 0.00001.
gnomAD v4.1: 1 of 1,613,556 alleles (0.000062%); highest among the groups gnomAD compares: Non-Finnish European, 0.000085%; no homozygotes.

Submission:

PreventionGenetics, part of Exact Sciences
Classification: Likely benign for KCNA2-related condition. Last evaluated: 2020-04-24. Review status: no assertion criteria provided. Collection method: clinical testing. Allele origin: germline.
Comment: This variant is classified as likely benign based on ACMG/AMP sequence variant interpretation guidelines (Richards et al. 2015 PMID: 25741868, with internal and published modifications).